The following is an entry in ClinVar:

NM_007294.4(BRCA1):c.5278-17T>C

Gene: BRCA1 (BRCA1 DNA repair associated; minus strand). Cytogenetic location: 17q21.31.
Variant type: single nucleotide variant.
Coding change: c.5278-17T>C on transcript NM_007294.4 (MANE Select); 17 bases into the intron before coding-DNA position 5278, T replaced by C.
Molecular consequence: intron variant.
Genome position (GRCh38, 1-based): chr17:43,051,134, A>G on the plus strand (T>C on the coding strand, the complement: BRCA1 is on the minus strand). VCF-style: chr17-43051134-A-G. GRCh37 (hg19) VCF-style: chr17-41203151-A-G.
Other names: c.1966-17T>C (NM_001407979.1, NM_001407982.1, NM_001407980.1 and 12 more transcripts); c.1969-17T>C (NM_001407977.1, NM_001407976.1, NM_001407974.1 and 3 more transcripts); c.5272-17T>C (NM_001407642.1, NM_001407634.1, NM_001407632.1 and 14 more transcripts); c.5275-17T>C (NM_001407625.1, NM_001407619.1, NM_001407610.1 and 17 more transcripts); c.5278-3431T>C (NM_001407684.1); c.5278-17T>C (NM_001407594.1, NM_001407593.1, NM_001407603.1 and 6 more transcripts); c.5341-17T>C (NM_001407583.1, NM_001407587.1, NM_001407585.1 and 1 more transcripts); c.5137-17T>C (NM_001407724.1, NM_001407697.1, NM_001407728.1 and 13 more transcripts); and 74 more.
Identifiers: ClinVar variation 867321 (VCV000867321.12), dbSNP rs2051218356, ClinGen allele CA916081089.
Genomic context (GRCh38, chr17:43,051,134, plus strand): 5'-TTGGTGAAGGGCCCATAGCAACAGATTTCTAGCCCCCTGAAGATCTGGAAGAAGAGAGGA[A>G]GAGAGAGGGACAGGGGAATGGAGAGAAGGAAAATCTAGTTATAAAAGAATATTGGCTTTT-3'

ClinVar aggregate classification (germline): Likely benign (1 of 4 stars; one submission).

Conditions:
Hereditary breast ovarian cancer syndrome. Also called: Hereditary breast and/or ovarian cancer syndrome; BRCA1- and BRCA2-Associated Hereditary Breast and Ovarian Cancer; Hereditary breast and ovarian cancer syndrome; Hereditary breast and ovarian cancer; Hereditary breast and ovarian cancer syndrome (HBOC); Breast and ovarian cancer. Identifiers: Orphanet 145, MedGen C0677776, MeSH D061325, MONDO:0003582. Disease mechanism: loss of function.

Submissions (2):

Labcorp Genetics (formerly Invitae), Labcorp
Classification: Likely benign for Hereditary breast ovarian cancer syndrome. Last evaluated: 2022-08-26. Review status: criteria provided, single submitter. Criteria: Invitae Variant Classification Sherloc (09022015). Collection method: clinical testing. Allele origin: germline.

Brotman Baty Institute, University of Washington
No classification provided (evidence only). Condition: Breast-ovarian cancer, familial 1. Review status: no classification provided. Collection method: in vitro. Allele origin: not applicable. Functional consequence: functionally_normal. Not counted in ClinVar's aggregate classification.
ClinVar note: "not provided" was previously submitted as the classification for the variant. However, the classification appeared to be based only on an observation of functional data so it was converted to no classification on 2025-07-30.